The following is an entry in ClinVar:

ClinVar aggregate classification (germline): Uncertain significance (1 of 4 stars; one submission).

Conditions:
Primary ciliary dyskinesia. Also called: Ciliary dyskinesia. Identifiers: Orphanet 244, MedGen C0008780, MONDO:0016575, HP:0012265.

Submission:

Labcorp Genetics (formerly Invitae), Labcorp
Classification: Uncertain significance for Primary ciliary dyskinesia. Last evaluated: 2021-08-11. Review status: criteria provided, single submitter. Criteria: Invitae Variant Classification Sherloc (09022015). Collection method: clinical testing. Allele origin: germline.
Comment: Algorithms developed to predict the effect of missense changes on protein structure and function (SIFT, PolyPhen-2, Align-GVGD) all suggest that this variant is likely to be tolerated, but these predictions have not been confirmed by published functional studies and their clinical significance is uncertain. Algorithms developed to predict the effect of sequence changes on RNA splicing suggest that this variant may disrupt the consensus splice site, but this prediction has not been confirmed by published transcriptional studies. In summary, the available evidence is currently insufficient to determine the role of this variant in disease. Therefore, it has been classified as a Variant of Uncertain Significance. This sequence change replaces glutamine with arginine at codon 440 of the DNAH5 protein (p.Gln440Arg). The glutamine residue is moderately conserved and there is a small physicochemical difference between glutamine and arginine. This variant is not present in population databases (ExAC no frequency). This variant has not been reported in the literature in individuals with DNAH5-related conditions.

NM_001369.3(DNAH5):c.1319A>G (p.Gln440Arg)

Gene: DNAH5 (dynein axonemal heavy chain 5; minus strand). Cytogenetic location: 5p15.2.
Variant type: single nucleotide variant.
Coding change: c.1319A>G on transcript NM_001369.3 (MANE Select); coding-DNA position 1319, A replaced by G.
Protein change: p.Gln440Arg; replaces glutamine 440 with arginine.
Molecular consequence: missense variant.
Genome position (GRCh38, 1-based): chr5:13,914,521, T>C on the plus strand (A>G on the coding strand, the complement: DNAH5 is on the minus strand). VCF-style: chr5-13914521-T-C. GRCh37 (hg19) VCF-style: chr5-13914630-T-C.
Other names: short protein forms Q440R.
Identifiers: ClinVar variation 1405353 (VCV001405353.8), dbSNP rs2151982078, ClinGen allele CA359214718.
Genomic context (GRCh38, chr5:13,914,521, plus strand): 5'-GGTCTCAACAAAAATAAGATAAAAAGAATAGAACATCTAAATACTAAACTGACCATTACC[T>C]GTTTCAGTTTAATCGCAGATAGTATTTTTTCTTCAACAACATCCTGTGGCTGGTTCCAGA-3'
Protein context (NP_001360.1, residues 430-450): EKILSAIKLK[Gln440Arg]EYQLCFHKTK